The following is an entry in ClinVar:

NM_001034853.2(RPGR):c.2327A>G (p.Lys776Arg)

Gene: RPGR (retinitis pigmentosa GTPase regulator; minus strand). Cytogenetic location: Xp11.4.
Variant type: single nucleotide variant.
Coding change: c.2327A>G on transcript NM_001034853.2 (MANE Select); coding-DNA position 2327, A replaced by G.
Protein change: p.Lys776Arg; replaces lysine 776 with arginine.
Molecular consequence: missense variant. On other transcripts: intron variant (8).
Genome position (GRCh38, 1-based): chrX:38,286,672, T>C on the plus strand (A>G on the coding strand, the complement: RPGR is on the minus strand). VCF-style: chrX-38286672-T-C. GRCh37 (hg19) VCF-style: chrX-38145925-T-C.
Other names: c.1569+4287A>G (NM_001367249.1, NM_001367250.1); c.1902+422A>G (NM_001367245.1); c.1386+4287A>G (NM_001367251.1); c.1719+422A>G (NM_001367246.1); c.1572+4287A>G (NM_001367247.1); c.1905+422A>G (NM_000328.3); c.1602+4287A>G (NM_001367248.1); short protein forms K776R.
Identifiers: ClinVar variation 2049177 (VCV002049177.4), dbSNP rs2519791952, ClinGen allele CA412730904.

ClinVar aggregate classification (germline): Uncertain significance (1 of 4 stars; one submission).

Conditions:
Primary ciliary dyskinesia. Also called: Ciliary dyskinesia. Identifiers: Orphanet 244, MedGen C0008780, MONDO:0016575, HP:0012265.

Allele frequency attached by ClinVar (database versions not stated): gnomAD exomes below 0.00001.
gnomAD v4.1: 3 of 1,144,278 alleles (0.00026%); highest among the groups gnomAD compares: Non-Finnish European, 0.00035%; no homozygotes.

Submission:

Labcorp Genetics (formerly Invitae), Labcorp
Classification: Uncertain significance for Primary ciliary dyskinesia. Last evaluated: 2022-06-24. Review status: criteria provided, single submitter. Criteria: Invitae Variant Classification Sherloc (09022015). Collection method: clinical testing. Allele origin: germline.
Comment: This sequence change replaces lysine, which is basic and polar, with arginine, which is basic and polar, at codon 776 of the RPGR (ORF15) protein (p.Lys776Arg). This variant is not present in population databases (gnomAD no frequency). This missense change has been observed in individual(s) with clinical features of retinitis pigmentosa (Invitae). Algorithms developed to predict the effect of missense changes on protein structure and function output the following: SIFT: "Not Available"; PolyPhen-2: "Not Available"; Align-GVGD: "Not Available". The arginine amino acid residue is found in multiple mammalian species, which suggests that this missense change does not adversely affect protein function. In summary, the available evidence is currently insufficient to determine the role of this variant in disease. Therefore, it has been classified as a Variant of Uncertain Significance.